The following is an entry in ClinVar:

NM_000051.4(ATM):c.5370T>A (p.Asp1790Glu)

Gene: ATM (ATM serine/threonine kinase; plus strand). Cytogenetic location: 11q22.3.
Variant type: single nucleotide variant.
Coding change: c.5370T>A on transcript NM_000051.4 (MANE Select); coding-DNA position 5370, T replaced by A.
Protein change: p.Asp1790Glu; replaces aspartic acid 1790 with glutamic acid.
Molecular consequence: missense variant.
Genome position (GRCh38, 1-based): chr11:108,302,903, T>A. VCF-style: chr11-108302903-T-A. GRCh37 (hg19) VCF-style: chr11-108173630-T-A.
Other names: c.5370T>A, p.Asp1790Glu (NM_001351834.2); short protein forms D1790E.
Identifiers: ClinVar variation 482579 (VCV000482579.5), dbSNP rs1555106395, ClinGen allele CA382543419.

ClinVar aggregate classification (germline): Uncertain significance (1 of 4 stars; one submission).

Conditions:
Hereditary cancer-predisposing syndrome. Also called: Neoplastic Syndromes, Hereditary; Tumor predisposition; Hereditary Cancer Syndrome; Hereditary neoplastic syndrome. Identifiers: Orphanet 140162, MedGen C0027672, MeSH D009386, MONDO:0015356.

Submission:

Ambry Genetics
Classification: Uncertain significance for Hereditary cancer-predisposing syndrome. Last evaluated: 2021-09-20. Review status: criteria provided, single submitter. Criteria: Ambry Variant Classification Scheme 2023. Collection method: clinical testing. Allele origin: germline.
Comment: The p.D1790E variant (also known as c.5370T>A), located in coding exon 35 of the ATM gene, results from a T to A substitution at nucleotide position 5370. The aspartic acid at codon 1790 is replaced by glutamic acid, an amino acid with highly similar properties. This amino acid position is highly conserved in available vertebrate species. In addition, this alteration is predicted to be tolerated by in silico analysis. Since supporting evidence is limited at this time, the clinical significance of this alteration remains unclear.

Literature cited by the submitters: PubMed 32019284.